The following is an entry in ClinVar:

ClinVar aggregate classification (germline): Likely benign (0 of 4 stars; one submission).

Conditions:
GNAS-related disorder. Identifiers: MedGen CN380105.

Allele frequency attached by ClinVar (database versions not stated): gnomAD 0.00008; TOPMed 0.00008; gnomAD exomes below 0.00001; ExAC 0.00001.
gnomAD v4.1: 17 of 1,604,670 alleles (0.0011%); highest among the groups gnomAD compares: African/African-American, 0.023%; no homozygotes.

Submission:

PreventionGenetics, part of Exact Sciences
Classification: Likely benign for GNAS-related condition. Last evaluated: 2020-07-13. Review status: no assertion criteria provided. Collection method: clinical testing. Allele origin: germline.
Comment: This variant is classified as likely benign based on ACMG/AMP sequence variant interpretation guidelines (Richards et al. 2015 PMID: 25741868, with internal and published modifications).

NM_016592.5(GNAS):c.570A>G (p.Glu190=)

Genes: GNAS (GNAS complex locus; plus strand), GNAS-AS1 (GNAS antisense RNA 1; minus strand). Cytogenetic location: 20q13.32.
Variant type: single nucleotide variant.
Coding change: c.570A>G on transcript NM_016592.5 (MANE Plus Clinical); coding-DNA position 570, A replaced by G.
Protein change: p.Glu190=; no amino-acid change (glutamic acid 190 retained).
Molecular consequence: synonymous variant. On other transcripts: 5 prime UTR variant (1).
Genome position (GRCh38, 1-based): chr20:58,840,676, A>G. VCF-style: chr20-58840676-A-G. GRCh37 (hg19) VCF-style: chr20-57415731-A-G.
Other names: c.-168A>G (NM_001410912.1).
Identifiers: ClinVar variation 3059708 (VCV003059708.2), dbSNP rs772869359, ClinGen allele CA9926361.